The following is an entry in ClinVar:

ClinVar aggregate classification (germline): Pathogenic/Likely pathogenic. Review status: criteria provided, multiple submitters, no conflicts (2 of 4 stars). 3 submissions from 3 submitters: Pathogenic (1); Likely pathogenic (2). Last evaluated 2024-07-08.

Conditions:
Achondrogenesis, type IB (ACG1B). Also called: Achondrogenesis Type 1B. Identifiers: Orphanet 932, Orphanet 93298, MedGen C0265274, MONDO:0010966, OMIM 600972.
Diastrophic dysplasia (DTD). Also called: Diastrophic dwarfism. Identifiers: Orphanet 628, MedGen C0220726, MONDO:0009107, OMIM 222600.
Multiple epiphyseal dysplasia type 4 (EDM4). Also called: Multiple Epiphyseal Dysplasia, Recessive; MULTIPLE EPIPHYSEAL DYSPLASIA WITH BILAYERED PATELLAE; MULTIPLE EPIPHYSEAL DYSPLASIA WITH CLUBFOOT; MULTIPLE EPIPHYSEAL DYSPLASIA, AUTOSOMAL RECESSIVE; SLC26A2-Related Multiple Epiphyseal Dysplasia. Identifiers: Orphanet 93307, MedGen C1847593, MONDO:0009189, OMIM 226900.
Atelosteogenesis type II (AO2). Also called: NEONATAL OSSEOUS DYSPLASIA I; Neonatal osseous dysplasia 1; SLC26A2-Related Atelosteogenesis. Identifiers: Orphanet 56304, MedGen C1850554, MONDO:0009727, OMIM 256050.

Allele frequency attached by ClinVar (database versions not stated): gnomAD exomes below 0.00001; ExAC 0.00001; gnomAD 0.00001; TOPMed 0.00001; ESP Exome Variant Server 0.00008.

Submissions (3):

Natera, Inc.
Classification: Likely pathogenic for Achondrogenesis type IB. Last evaluated: 2024-07-08. Review status: criteria provided, single submitter. Criteria: Natera Variant Classification Schema (03/2026). Collection method: clinical testing. Allele origin: germline.
Comment: The c.854C>A variant in SLC26A2 is a nonsense variant predicted to introduce a stop codon at amino acid 285. This variant is expected to result in nonsense mediated decay, truncation, or a dysfunctional protein product. This variant is rare in the general population with a frequency below the threshold expected for the associated phenotype(s). Given the available evidence, this variant is classified as Likely Pathogenic.

Labcorp Genetics (formerly Invitae), Labcorp
Classification: Pathogenic for Atelosteogenesis type II; Multiple epiphyseal dysplasia type 4; Achondrogenesis, type IB; Diastrophic dysplasia. Last evaluated: 2023-05-05. Review status: criteria provided, single submitter. Criteria: Invitae Variant Classification Sherloc (09022015). Collection method: clinical testing. Allele origin: germline.
Comment: This variant disrupts a region of the SLC26A2 protein in which other variant(s) (p.Ala715Val) have been determined to be pathogenic (PMID: 21077204). This suggests that this is a clinically significant region of the protein, and that variants that disrupt it are likely to be disease-causing. This sequence change creates a premature translational stop signal (p.Ser285*) in the SLC26A2 gene. While this is not anticipated to result in nonsense mediated decay, it is expected to disrupt the last 455 amino acid(s) of the SLC26A2 protein. This variant is present in population databases (rs140041300, gnomAD 0.004%). This variant has not been reported in the literature in individuals affected with SLC26A2-related conditions. For these reasons, this variant has been classified as Pathogenic.

Baylor Genetics
Classification: Likely pathogenic for Achondrogenesis, type IB. Last evaluated: 2023-04-18. Review status: criteria provided, single submitter. Criteria: ACMG Guidelines, 2015. Collection method: clinical testing. Allele origin: unknown.

Literature cited by the submitters: PubMed 21077204 (cited by Labcorp Genetics (formerly Invitae), Labcorp).

NM_000112.4(SLC26A2):c.854C>A (p.Ser285Ter)

Gene: SLC26A2 (solute carrier family 26 member 2; plus strand). Cytogenetic location: 5q32.
Variant type: single nucleotide variant.
Coding change: c.854C>A on transcript NM_000112.4 (MANE Select); coding-DNA position 854, C replaced by A.
Protein change: p.Ser285Ter; replaces serine 285 with a stop codon.
Molecular consequence: nonsense.
Genome position (GRCh38, 1-based): chr5:149,980,447, C>A. VCF-style: chr5-149980447-C-A. GRCh37 (hg19) VCF-style: chr5-149360010-C-A.
Other names: short protein forms S285*.
Identifiers: ClinVar variation 2678888 (VCV002678888.5), dbSNP rs140041300, ClinGen allele CA3505337.
Genomic context (GRCh38, chr5:149,980,447, plus strand): 5'-TTACATCTCAGGCCAAGTATCTTCTTGGGCTCAACCTTCCTCGGACTAATGGTGTGGGCT[C>A]ACTCATCACTACCTGGATACATGTCTTCAGAAACATCCATAAGACCAATCTCTGTGATCT-3'